The following is an entry in ClinVar:

ClinVar aggregate classification (germline): Likely benign. Review status: criteria provided, multiple submitters, no conflicts (2 of 4 stars). 5 submissions from 5 submitters: Likely benign (5). Last evaluated 2026-01-12.

Conditions:
Cardiovascular phenotype. Identifiers: MedGen CN230736.
Dilated cardiomyopathy 1JJ (CMD1JJ). Identifiers: Orphanet 154, MedGen C3808935, MONDO:0014095, OMIM 615235.

Allele frequency attached by ClinVar (database versions not stated): gnomAD exomes 0.00002 and 0.00004; ExAC 0.00005; gnomAD 0.00013 and 0.00015; TOPMed 0.00013; ESP Exome Variant Server 0.00015; 1000 Genomes Project 30x 0.00016; 1000 Genomes Project 0.00020.
gnomAD v4.1: 56 of 1,614,068 alleles (0.0035%); highest among the groups gnomAD compares: African/African-American, 0.056%; no homozygotes.

Submissions (5):

Labcorp Genetics (formerly Invitae), Labcorp
Classification: Likely benign for Dilated cardiomyopathy 1JJ. Last evaluated: 2026-01-12. Review status: criteria provided, single submitter. Criteria: Invitae Variant Classification Sherloc (09022015). Collection method: clinical testing. Allele origin: germline.

GeneDx
Classification: Likely benign. Last evaluated: 2020-01-17. Review status: criteria provided, single submitter. Criteria: GeneDx Variant Classification Process June 2021. Collection method: clinical testing. Allele origin: germline. Affected: yes.

Ambry Genetics
Classification: Likely benign for Cardiovascular phenotype. Last evaluated: 2019-12-10. Review status: criteria provided, single submitter. Criteria: Ambry Variant Classification Scheme 2023. Collection method: clinical testing. Allele origin: germline.

Laboratory for Molecular Medicine, Mass General Brigham Personalized Medicine
Classification: Likely benign. Last evaluated: 2014-06-18. Review status: criteria provided, single submitter. Criteria: LMM Criteria. Collection method: clinical testing. Allele origin: germline. Observed: 1 variant allele.
Comment: Pro1022Pro in exon 23 of LAMA4: This variant is not expected to have clinical si gnificance because it does not alter an amino acid residue and is not located wi thin the splice consensus sequence. It has been identified in 2/4406 African Ame rican chromosomes by the NHLBI Exome Sequencing Project (n.edu/EVS/; dbSNP rs146880158).

Breakthrough Genomics
Classification: Likely benign. Review status: criteria provided, single submitter. Criteria: ACMG Guidelines, 2015. Collection method: not provided. Allele origin: germline. Inheritance: Autosomal dominant inheritance. Affected: yes.

NM_001105206.3(LAMA4):c.3087C>T (p.Pro1029=)

Gene: LAMA4 (laminin subunit alpha 4; minus strand). Cytogenetic location: 6q21.
Variant type: single nucleotide variant.
Coding change: c.3087C>T on transcript NM_001105206.3 (MANE Select); coding-DNA position 3087, C replaced by T.
Protein change: p.Pro1029=; no amino-acid change (proline 1029 retained).
Molecular consequence: synonymous variant.
Genome position (GRCh38, 1-based): chr6:112,139,775, G>A on the plus strand (C>T on the coding strand, the complement: LAMA4 is on the minus strand). VCF-style: chr6-112139775-G-A. GRCh37 (hg19) VCF-style: chr6-112460977-G-A.
Other names: c.3066C>T, p.Pro1022= (NM_001105207.3, NM_002290.5).
Identifiers: ClinVar variation 177962 (VCV000177962.20), dbSNP rs146880158, ClinGen allele CA181078.
Genomic context (GRCh38, chr6:112,139,775, plus strand): 5'-AATATCCAAGTCTTTAGTACTCTTAACTGTCTCTTACCGGGCACATGGCACTGATGTGGA[G>A]GGGTCCATATTATAGATGTGCTTAAAGTTGTACAAGCTGATCACATCATTATTCAAAGTG-3'
Protein context (NP_001098676.2, residues 1019-1039): YNFKHIYNMD[Pro1029=]STSVPCARDK